The following is an entry in ClinVar:

NM_020949.3(SLC7A14):c.1615C>T (p.Pro539Ser)

Genes: SLC7A14 (solute carrier family 7 member 14; minus strand), SLC7A14-AS1 (SLC7A14 antisense RNA 1; plus strand). Cytogenetic location: 3q26.2.
Variant type: single nucleotide variant.
Coding change: c.1615C>T on transcript NM_020949.3 (MANE Select); coding-DNA position 1615, C replaced by T.
Protein change: p.Pro539Ser; replaces proline 539 with serine.
Molecular consequence: missense variant.
Genome position (GRCh38, 1-based): chr3:170,480,667, G>A on the plus strand (C>T on the coding strand, the complement: SLC7A14 is on the minus strand). VCF-style: chr3-170480667-G-A. GRCh37 (hg19) VCF-style: chr3-170198456-G-A.
Other names: short protein forms P539S.
Identifiers: ClinVar variation 1021999 (VCV001021999.11), dbSNP rs1291974771, ClinGen allele CA355489869.

ClinVar aggregate classification (germline): Uncertain significance. Review status: criteria provided, multiple submitters, no conflicts (2 of 4 stars). 2 submissions from 2 submitters: Uncertain significance (2). Last evaluated 2022-02-10.

Allele frequency attached by ClinVar (database versions not stated): TOPMed below 0.00001; gnomAD 0.00001.
gnomAD v4.1: 1 of 1,614,138 alleles (0.000062%); highest among the groups gnomAD compares: Non-Finnish European, 0.000085%; no homozygotes.

Submissions (2):

Labcorp Genetics (formerly Invitae), Labcorp
Classification: Uncertain significance. Last evaluated: 2022-02-10. Review status: criteria provided, single submitter. Criteria: Invitae Variant Classification Sherloc (09022015). Collection method: clinical testing. Allele origin: germline.
Comment: This variant has not been reported in the literature in individuals affected with SLC7A14-related conditions. This variant is not present in population databases (gnomAD no frequency). This sequence change replaces proline, which is neutral and non-polar, with serine, which is neutral and polar, at codon 539 of the SLC7A14 protein (p.Pro539Ser). ClinVar contains an entry for this variant (Variation ID: 1021999). In summary, the available evidence is currently insufficient to determine the role of this variant in disease. Therefore, it has been classified as a Variant of Uncertain Significance. Algorithms developed to predict the effect of missense changes on protein structure and function (SIFT, PolyPhen-2, Align-GVGD) all suggest that this variant is likely to be tolerated.

Blueprint Genetics
Classification: Uncertain significance. Last evaluated: 2021-10-17. Review status: criteria provided, single submitter. Criteria: ACMG Guidelines, 2015. Collection method: clinical testing. Allele origin: germline.